The following is an entry in ClinVar:

NM_001329943.3(KIAA0586):c.1978A>T (p.Lys660Ter)

Gene: KIAA0586 (KIAA0586; plus strand). Cytogenetic location: 14q23.1.
Variant type: single nucleotide variant.
Coding change: c.1978A>T on transcript NM_001329943.3 (MANE Select); coding-DNA position 1978, A replaced by T.
Protein change: p.Lys660Ter; replaces lysine 660 with a stop codon.
Molecular consequence: nonsense.
Genome position (GRCh38, 1-based): chr14:58,461,079, A>T. VCF-style: chr14-58461079-A-T. GRCh37 (hg19) VCF-style: chr14-58927797-A-T.
Other names: c.2137A>T, p.Lys713Ter (NM_001244189.2); c.1933A>T, p.Lys645Ter (NM_001244190.2); c.1723A>T, p.Lys575Ter (NM_001244191.2, NM_001329945.2, NM_001364700.1 and 1 more transcripts); c.1846A>T, p.Lys616Ter (NM_001244192.2); c.1558A>T, p.Lys520Ter (NM_001244193.2); c.1978A>T, p.Lys660Ter (NM_001329944.2, NM_001329946.2, NM_001329947.2); c.1750A>T, p.Lys584Ter (NM_014749.5); short protein forms K660*, K584*, K616*, K713*, K520*, K575*, K645*.
Identifiers: ClinVar variation 5005332 (VCV005005332.2).

ClinVar aggregate classification (germline): Likely pathogenic (1 of 4 stars; one submission).

Conditions:
Short-rib thoracic dysplasia 14 with polydactyly (SRTD14). Identifiers: Orphanet 397715, MedGen C4225286, MONDO:0014688, OMIM 616546.
Joubert syndrome 23 (JBTS23). Identifiers: Orphanet 475, MedGen C4084822, MONDO:0014664, OMIM 616490.

Submission:

Juno Genomics, Hangzhou Juno Genomics, Inc
Classification: Likely pathogenic for Joubert syndrome 23; Short-rib thoracic dysplasia 14 with polydactyly. Review status: criteria provided, single submitter. Criteria: ACMG Guidelines, 2015. Collection method: clinical testing. Allele origin: germline.
Comment: Null variant in a gene where loss of function (LOF) is a known mechanism of disease.;Absent from controls (or at extremely low frequency if recessive) in Genome Aggregation Database.